The following is an entry in ClinVar:

ClinVar aggregate classification (germline): Likely pathogenic (1 of 4 stars; one submission).

Conditions:
Neuronal ceroid lipofuscinosis 13 (CLN13). Also called: CLN13 Disease; CEROID LIPOFUSCINOSIS, NEURONAL, 13 (KUFS TYPE). Identifiers: Orphanet 352709, Orphanet 79262, MedGen C3715049, MONDO:0014147, OMIM 615362.

Submission:

Juno Genomics, Hangzhou Juno Genomics, Inc
Classification: Likely pathogenic for Neuronal ceroid lipofuscinosis 13. Review status: criteria provided, single submitter. Criteria: ACMG Guidelines, 2015. Collection method: clinical testing. Allele origin: germline.
Comment: Null variant in a gene where loss of function (LOF) is a known mechanism of disease.;Absent from controls (or at extremely low frequency if recessive) in Genome Aggregation Database.

NM_003793.4(CTSF):c.519delinsGCCTGGGA (p.Asp173fs)

Gene: CTSF (cathepsin F; minus strand). Cytogenetic location: 11q13.2.
Variant type: Indel.
Coding change: c.519delinsGCCTGGGA on transcript NM_003793.4 (MANE Select); coding-DNA position 519, T replaced by GCCTGGGA.
Protein change: p.Asp173fs; shifts the reading frame from aspartic acid 173.
Molecular consequence: frameshift variant.
Genome position (GRCh38, 1-based): chr11:66,567,456, A replaced by TCCCAGGC on the plus strand (T replaced by GCCTGGGA on the coding strand, the reverse complement: CTSF is on the minus strand). VCF-style: chr11-66567456-A-TCCCAGGC. GRCh37 (hg19) VCF-style: chr11-66334927-A-TCCCAGGC.
Other names: c.519_521delinsGCCTGGGACC (NM_003793.4); short protein forms D173fs.
Identifiers: ClinVar variation 5004958 (VCV005004958.2).
Genomic context (GRCh38, chr11:66,567,456, plus strand): 5'-GCGGCTGGCTCCTCAAGCTGAGGGCTCCTCAAGCTGAGGGCTCCTCACCTGGGACAGGGG[A>TCCCAGGC]TCCTCATTCAACAGGGAAATGACTGAGCTGAAAGTCTCGTTTCTGTTGTCTGGATGGTTT-3'